The following is an entry in ClinVar:

ClinVar aggregate classification (germline): Uncertain significance (1 of 4 stars; one submission).

Submission:

Labcorp Genetics (formerly Invitae), Labcorp
Classification: Uncertain significance. Last evaluated: 2024-09-10. Review status: criteria provided, single submitter. Criteria: Invitae Variant Classification Sherloc (09022015). Collection method: clinical testing. Allele origin: germline.
Comment: This sequence change replaces asparagine, which is neutral and polar, with lysine, which is basic and polar, at codon 1634 of the MYH3 protein (p.Asn1634Lys). This variant is not present in population databases (gnomAD no frequency). This variant has not been reported in the literature in individuals affected with MYH3-related conditions. Invitae Evidence Modeling of protein sequence and biophysical properties (such as structural, functional, and spatial information, amino acid conservation, physicochemical variation, residue mobility, and thermodynamic stability) indicates that this missense variant is not expected to disrupt MYH3 protein function with a negative predictive value of 95%. In summary, the available evidence is currently insufficient to determine the role of this variant in disease. Therefore, it has been classified as a Variant of Uncertain Significance.

NM_002470.4(MYH3):c.4902C>G (p.Asn1634Lys)

Gene: MYH3 (myosin heavy chain 3; minus strand). Cytogenetic location: 17p13.1.
Variant type: single nucleotide variant.
Coding change: c.4902C>G on transcript NM_002470.4 (MANE Select); coding-DNA position 4902, C replaced by G.
Protein change: p.Asn1634Lys; replaces asparagine 1634 with lysine.
Molecular consequence: missense variant.
Genome position (GRCh38, 1-based): chr17:10,632,530, G>C on the plus strand (C>G on the coding strand, the complement: MYH3 is on the minus strand). VCF-style: chr17-10632530-G-C. GRCh37 (hg19) VCF-style: chr17-10535847-G-C.
Other names: short protein forms N1634K.
Identifiers: ClinVar variation 3628369 (VCV003628369.2).